The following is an entry in ClinVar:

NM_015338.6(ASXL1):c.4471C>G (p.Gln1491Glu)

Gene: ASXL1 (ASXL transcriptional regulator 1; plus strand). Cytogenetic location: 20q11.21.
Variant type: single nucleotide variant.
Coding change: c.4471C>G on transcript NM_015338.6 (MANE Select); coding-DNA position 4471, C replaced by G.
Protein change: p.Gln1491Glu; replaces glutamine 1491 with glutamic acid.
Molecular consequence: missense variant.
Genome position (GRCh38, 1-based): chr20:32,437,183, C>G. VCF-style: chr20-32437183-C-G. GRCh37 (hg19) VCF-style: chr20-31024986-C-G.
Other names: c.4288C>G, p.Gln1430Glu (NM_001363734.1); short protein forms Q1430E, Q1491E.
Identifiers: ClinVar variation 3956182 (VCV003956182.1).

ClinVar aggregate classification (germline): Uncertain significance (1 of 4 stars; one submission).

Conditions:
Inborn genetic diseases. Identifiers: MedGen C0950123, MeSH D030342.

Submission:

Ambry Genetics
Classification: Uncertain significance for Inborn genetic diseases. Last evaluated: 2025-04-17. Review status: criteria provided, single submitter. Criteria: Ambry Variant Classification Scheme 2023. Collection method: clinical testing. Allele origin: germline.
Comment: The p.Q1491E variant (also known as c.4471C>G), located in coding exon 13 of the ASXL1 gene, results from a C to G substitution at nucleotide position 4471. The glutamine at codon 1491 is replaced by glutamic acid, an amino acid with highly similar properties. This amino acid position is conserved. In addition, the in silico prediction for this alteration is inconclusive. Based on the available evidence, the clinical significance of this variant remains unclear.